The following is an entry in ClinVar:

ClinVar aggregate classification (germline): Uncertain significance. Review status: criteria provided, multiple submitters, no conflicts (2 of 4 stars). 2 submissions from 2 submitters: Uncertain significance (2). Last evaluated 2025-06-13.

Conditions:
Hereditary cancer-predisposing syndrome. Also called: Hereditary Cancer Syndrome; Hereditary neoplastic syndrome; Neoplastic Syndromes, Hereditary; Tumor predisposition. Identifiers: Orphanet 140162, MedGen C0027672, MeSH D009386, MONDO:0015356.
POLD1-related polyposis and colorectal cancer syndrome (CRCS10). Also called: Colorectal cancer, susceptibility to, 10; Colorectal cancer 10; COLORECTAL CANCER, SUSCEPTIBILITY TO, ON CHROMOSOME 19q. Identifiers: Orphanet 220460, MedGen C2675481, MONDO:0012953, OMIM 612591.

Submissions (2):

Ambry Genetics
Classification: Uncertain significance for Hereditary cancer-predisposing syndrome. Last evaluated: 2025-06-13. Review status: criteria provided, single submitter. Criteria: Ambry Variant Classification Scheme 2023. Collection method: clinical testing. Allele origin: germline.
Comment: The c.2469delC variant, located in coding exon 19 of the POLD1 gene, results from a deletion of one nucleotide at nucleotide position 2469, causing a translational frameshift with a predicted alternate stop codon (p.M824Wfs*64). This alteration is expected to result in protein truncation or nonsense-mediated mRNA decay. However, loss of function of POLD1 has not been established as a mechanism of disease. Based on the available evidence, the clinical significance of this alteration remains unclear.

Labcorp Genetics (formerly Invitae), Labcorp
Classification: Uncertain significance for POLD1-related polyposis and colorectal cancer syndrome. Last evaluated: 2022-11-06. Review status: criteria provided, single submitter. Criteria: Invitae Variant Classification Sherloc (09022015). Collection method: clinical testing. Allele origin: germline.
Comment: This variant is not present in population databases (gnomAD no frequency). In summary, the available evidence is currently insufficient to determine the role of this variant in disease. Therefore, it has been classified as a Variant of Uncertain Significance. ClinVar contains an entry for this variant (Variation ID: 821239). This variant has not been reported in the literature in individuals affected with POLD1-related conditions. This sequence change creates a premature translational stop signal (p.Met824Trpfs*64) in the POLD1 gene. Missense variants that disrupt the 3'-5' exonuclease (proof-reading) activity of the POLD1 protein are associated with PPAP (polymerase proofreading–associated polyposis) (PMID: 23263490, 23447401). However, loss-of-function variants that result in an absent or severely disrupted POLD1 protein, and missense variants outside the exonuclease domain, are unlikely to be associated with PPAP.

Literature cited by the submitters: PubMed 23263490 (cited by Labcorp Genetics (formerly Invitae), Labcorp); PubMed 23447401 (cited by Labcorp Genetics (formerly Invitae), Labcorp).

NM_002691.4(POLD1):c.2469del (p.Met824fs)

Gene: POLD1 (DNA polymerase delta 1, catalytic subunit; plus strand). Cytogenetic location: 19q13.33.
Variant type: Deletion.
Coding change: c.2469del on transcript NM_002691.4 (MANE Select); coding-DNA position 2469, one base deleted (C; older notation c.2469delC).
Protein change: p.Met824fs; shifts the reading frame from methionine 824.
Molecular consequence: frameshift variant. On other transcripts: non-coding transcript variant (1).
Genome position (GRCh38, 1-based): chr19:50,414,895, C deleted. VCF-style (leftmost placement, unchanged base first): chr19-50414894-GC-G. GRCh37 (hg19) VCF-style: chr19-50918151-GC-G.
Other names: c.2469del, p.Met824fs (NM_001256849.1); c.2547del, p.Met850fs (NM_001308632.1); short protein forms M824fs, M850fs.
Identifiers: ClinVar variation 821239 (VCV000821239.11), dbSNP rs1601241185, ClinGen allele CA915951887.
Genomic context (GRCh38, chr19:50,414,894, plus strand): 5'-TTATCAGCAAGAAGCGCTACGCGGGCCTGCTCTTCTCCTCCCGGCCCGACGCCCACGACC[GC>G]ATGGACTGCAAGGGCCTGGAGGCCGTGCGCAGGGACAACTGCCCCCTCGTGGCCAACCTG-3'